The following is an entry in ClinVar:

ClinVar aggregate classification (germline): Uncertain significance (1 of 4 stars; one submission).

Allele frequency attached by ClinVar (database versions not stated): gnomAD 0.00001; ExAC 0.00002; TOPMed 0.00002.

Submission:

Labcorp Genetics (formerly Invitae), Labcorp
Classification: Uncertain significance. Last evaluated: 2022-08-15. Review status: criteria provided, single submitter. Criteria: Invitae Variant Classification Sherloc (09022015). Collection method: clinical testing. Allele origin: germline.
Comment: This sequence change replaces arginine, which is basic and polar, with glutamine, which is neutral and polar, at codon 736 of the DSTYK protein (p.Arg736Gln). This variant is present in population databases (rs755781145, gnomAD 0.007%). This variant has not been reported in the literature in individuals affected with DSTYK-related conditions. Algorithms developed to predict the effect of sequence changes on RNA splicing suggest that this variant may create or strengthen a splice site. In summary, the available evidence is currently insufficient to determine the role of this variant in disease. Therefore, it has been classified as a Variant of Uncertain Significance. Algorithms developed to predict the effect of missense changes on protein structure and function are either unavailable or do not agree on the potential impact of this missense change (SIFT: "Deleterious"; PolyPhen-2: "Benign"; Align-GVGD: "Class C35").

NM_015375.3(DSTYK):c.2207G>A (p.Arg736Gln)

Gene: DSTYK (dual serine/threonine and tyrosine protein kinase; minus strand). Cytogenetic location: 1q32.1.
Variant type: single nucleotide variant.
Coding change: c.2207G>A on transcript NM_015375.3 (MANE Select); coding-DNA position 2207, G replaced by A.
Protein change: p.Arg736Gln; replaces arginine 736 with glutamine.
Molecular consequence: missense variant.
Genome position (GRCh38, 1-based): chr1:205,159,578, C>T on the plus strand (G>A on the coding strand, the complement: DSTYK is on the minus strand). VCF-style: chr1-205159578-C-T. GRCh37 (hg19) VCF-style: chr1-205128706-C-T.
Other names: c.2207G>A, p.Arg736Gln (NM_199462.3); short protein forms R736Q.
Identifiers: ClinVar variation 1932479 (VCV001932479.5), dbSNP rs755781145, ClinGen allele CA1352637.